The following is an entry in ClinVar:

ClinVar aggregate classification (germline): Uncertain significance (1 of 4 stars; one submission).

Conditions:
Inborn genetic diseases. Identifiers: MedGen C0950123, MeSH D030342.

Submission:

Ambry Genetics
Classification: Uncertain significance for Inborn genetic diseases. Last evaluated: 2026-05-03. Review status: criteria provided, single submitter. Criteria: Ambry Variant Classification Scheme 2023. Collection method: clinical testing. Allele origin: germline.
Comment: The p.P954H variant (also known as c.2861C>A), located in coding exon 1 of the SAMD9L gene, results from a C to A substitution at nucleotide position 2861. The proline at codon 954 is replaced by histidine, an amino acid with similar properties. This amino acid position is conserved. In addition, this alteration is predicted to be tolerated by in silico analysis. Based on the available evidence, the clinical significance of this variant remains unclear.

NM_152703.5(SAMD9L):c.2861C>A (p.Pro954His)

Gene: SAMD9L (sterile alpha motif domain containing 9 like; minus strand). Cytogenetic location: 7q21.2.
Variant type: single nucleotide variant.
Coding change: c.2861C>A on transcript NM_152703.5 (MANE Select); coding-DNA position 2861, C replaced by A.
Protein change: p.Pro954His; replaces proline 954 with histidine.
Molecular consequence: missense variant.
Genome position (GRCh38, 1-based): chr7:93,133,111, G>T on the plus strand (C>A on the coding strand, the complement: SAMD9L is on the minus strand). VCF-style: chr7-93133111-G-T. GRCh37 (hg19) VCF-style: chr7-92762424-G-T.
Other names: c.2861C>A, p.Pro954His (NM_001303496.3, NM_001303497.3, NM_001303498.3 and 5 more transcripts); short protein forms P954H.
Identifiers: ClinVar variation 4863981 (VCV004863981.1).